The following is an entry in ClinVar:

ClinVar aggregate classification (germline): Uncertain significance. Review status: criteria provided, multiple submitters, no conflicts (2 of 4 stars). 2 submissions from 2 submitters: Uncertain significance (2). Last evaluated 2024-11-11.

Conditions:
Autosomal dominant nonsyndromic hearing loss 23. Identifiers: Orphanet 90635, MedGen C1854594, MONDO:0011519, OMIM 605192.
Branchiootic syndrome 3 (BOS3). Also called: BO SYNDROME 3. Identifiers: MedGen C1842124, MONDO:0012025, OMIM 608389.

Submissions (2):

GeneDx
Classification: Uncertain significance. Last evaluated: 2024-11-11. Review status: criteria provided, single submitter. Criteria: GeneDx Variant Classification Process June 2021. Collection method: clinical testing. Allele origin: germline. Affected: yes.
Comment: Not observed at significant frequency in large population cohorts (gnomAD); In silico analysis indicates that this missense variant does not alter protein structure/function; Has not been previously published as pathogenic or benign to our knowledge

Fulgent Genetics
Classification: Uncertain significance for Autosomal dominant nonsyndromic hearing loss 23; Branchiootic syndrome 3. Last evaluated: 2024-04-22. Review status: criteria provided, single submitter. Criteria: ACMG Guidelines, 2015. Collection method: clinical testing. Allele origin: germline.

NM_005982.4(SIX1):c.638T>C (p.Met213Thr)

Gene: SIX1 (SIX homeobox 1; minus strand). Cytogenetic location: 14q23.1.
Variant type: single nucleotide variant.
Coding change: c.638T>C on transcript NM_005982.4 (MANE Select); coding-DNA position 638, T replaced by C.
Protein change: p.Met213Thr; replaces methionine 213 with threonine.
Molecular consequence: missense variant. On other transcripts: 3 prime UTR variant (1).
Genome position (GRCh38, 1-based): chr14:60,646,500, A>G on the plus strand (T>C on the coding strand, the complement: SIX1 is on the minus strand). VCF-style: chr14-60646500-A-G. GRCh37 (hg19) VCF-style: chr14-61113218-A-G.
Other names: c.*57T>C (NM_001425142.1); c.638T>C (NM_005982.3); short protein forms M213T.
Identifiers: ClinVar variation 3576638 (VCV003576638.2).